The following is an entry in ClinVar:

NM_176824.3(BBS7):c.215G>A (p.Gly72Glu)

Gene: BBS7 (Bardet-Biedl syndrome 7; minus strand). Cytogenetic location: 4q27.
Variant type: single nucleotide variant.
Coding change: c.215G>A on transcript NM_176824.3 (MANE Select); coding-DNA position 215, G replaced by A.
Protein change: p.Gly72Glu; replaces glycine 72 with glutamic acid.
Molecular consequence: missense variant.
Genome position (GRCh38, 1-based): chr4:121,861,630, C>T on the plus strand (G>A on the coding strand, the complement: BBS7 is on the minus strand). VCF-style: chr4-121861630-C-T. GRCh37 (hg19) VCF-style: chr4-122782785-C-T.
Other names: c.215G>A, p.Gly72Glu (NM_018190.4); short protein forms G72E.
Identifiers: ClinVar variation 4991371 (VCV004991371.1).

ClinVar aggregate classification (germline): Uncertain significance (1 of 4 stars; one submission).

Conditions:
BBS7-related disorder. Also called: BBS7-related condition.

gnomAD v4.1: 1 of 1,613,710 alleles (0.000062%); highest among the groups gnomAD compares: Admixed American, 0.0017%; no homozygotes.

Submission:

PreventionGenetics, part of Exact Sciences
Classification: Uncertain significance for BBS7-related condition. Last evaluated: 2026-06-17. Review status: criteria provided, single submitter. Criteria: ACMG Guidelines, 2015. Collection method: clinical testing. Allele origin: germline.
Comment: The BBS7 c.215G>A variant is predicted to result in the amino acid substitution p.Gly72Glu. To our knowledge, this variant has not been reported in the literature. This variant is reported in 0.0029% of alleles in individuals of Latino descent in gnomAD. At this time, the clinical significance of this variant is uncertain due to the absence of conclusive functional and genetic evidence.